The following is an entry in ClinVar:

ClinVar aggregate classification (germline): Uncertain significance (1 of 4 stars; one submission).

Submission:

Labcorp Genetics (formerly Invitae), Labcorp
Classification: Uncertain significance. Last evaluated: 2024-09-05. Review status: criteria provided, single submitter. Criteria: Invitae Variant Classification Sherloc (09022015). Collection method: clinical testing. Allele origin: germline.
Comment: This sequence change replaces isoleucine, which is neutral and non-polar, with valine, which is neutral and non-polar, at codon 659 of the FN1 protein (p.Ile659Val). This variant is not present in population databases (gnomAD no frequency). This variant has not been reported in the literature in individuals affected with FN1-related conditions. Invitae Evidence Modeling of protein sequence and biophysical properties (such as structural, functional, and spatial information, amino acid conservation, physicochemical variation, residue mobility, and thermodynamic stability) indicates that this missense variant is not expected to disrupt FN1 protein function with a negative predictive value of 80%. In summary, the available evidence is currently insufficient to determine the role of this variant in disease. Therefore, it has been classified as a Variant of Uncertain Significance.

NM_212482.4(FN1):c.1975A>G (p.Ile659Val)

Gene: FN1 (fibronectin 1; minus strand). Cytogenetic location: 2q35.
Variant type: single nucleotide variant.
Coding change: c.1975A>G on transcript NM_212482.4 (MANE Select); coding-DNA position 1975, A replaced by G.
Protein change: p.Ile659Val; replaces isoleucine 659 with valine.
Molecular consequence: missense variant.
Genome position (GRCh38, 1-based): chr2:215,410,081, T>C on the plus strand (A>G on the coding strand, the complement: FN1 is on the minus strand). VCF-style: chr2-215410081-T-C. GRCh37 (hg19) VCF-style: chr2-216274804-T-C.
Other names: c.1975A>G, p.Ile659Val (NM_001306129.2, NM_001306130.2, NM_001306131.2 and 13 more transcripts); short protein forms I659V.
Identifiers: ClinVar variation 2854394 (VCV002854394.3), dbSNP rs2470115337, ClinGen allele CA350464210.